The following is an entry in ClinVar:

NM_004998.4(MYO1E):c.2698C>T (p.His900Tyr)

Gene: MYO1E (myosin IE; minus strand). Cytogenetic location: 15q22.2.
Variant type: single nucleotide variant.
Coding change: c.2698C>T on transcript NM_004998.4 (MANE Select); coding-DNA position 2698, C replaced by T.
Protein change: p.His900Tyr; replaces histidine 900 with tyrosine.
Molecular consequence: missense variant.
Genome position (GRCh38, 1-based): chr15:59,161,160, G>A on the plus strand (C>T on the coding strand, the complement: MYO1E is on the minus strand). VCF-style: chr15-59161160-G-A. GRCh37 (hg19) VCF-style: chr15-59453359-G-A.
Other names: c.2698C>T (NM_004998.2); short protein forms H900Y.
Identifiers: ClinVar variation 1446567 (VCV001446567.11), dbSNP rs775958627, ClinGen allele CA7589140.

ClinVar aggregate classification (germline): Uncertain significance. Review status: criteria provided, multiple submitters, no conflicts (2 of 4 stars). 3 submissions from 3 submitters: Uncertain significance (3). Last evaluated 2025-01-08.

Conditions:
Inborn genetic diseases. Identifiers: MedGen C0950123, MeSH D030342.
Focal segmental glomerulosclerosis 6 (FSGS6). Identifiers: Orphanet 656, MedGen C3279905, MONDO:0013589, OMIM 614131.

Allele frequency attached by ClinVar (database versions not stated): ExAC 0.00001; gnomAD exomes 0.00001 and 0.00002; TOPMed 0.00001; gnomAD 0.00002 and 0.00003.
gnomAD v4.1: 30 of 1,614,016 alleles (0.0019%); highest among the groups gnomAD compares: Non-Finnish European, 0.0021%; no homozygotes.

Submissions (3):

Ambry Genetics
Classification: Uncertain significance for Inborn genetic diseases. Last evaluated: 2025-01-08. Review status: criteria provided, single submitter. Criteria: Ambry Variant Classification Scheme 2023. Collection method: clinical testing. Allele origin: germline.

Fulgent Genetics
Classification: Uncertain significance for Focal segmental glomerulosclerosis 6. Last evaluated: 2024-02-13. Review status: criteria provided, single submitter. Criteria: ACMG Guidelines, 2015. Collection method: clinical testing. Allele origin: germline.

Labcorp Genetics (formerly Invitae), Labcorp
Classification: Uncertain significance. Last evaluated: 2021-03-30. Review status: criteria provided, single submitter. Criteria: Invitae Variant Classification Sherloc (09022015). Collection method: clinical testing. Allele origin: germline.
Comment: This variant has not been reported in the literature in individuals with MYO1E-related conditions. In summary, the available evidence is currently insufficient to determine the role of this variant in disease. Therefore, it has been classified as a Variant of Uncertain Significance. Algorithms developed to predict the effect of missense changes on protein structure and function (SIFT, PolyPhen-2, Align-GVGD) all suggest that this variant is likely to be tolerated, but these predictions have not been confirmed by published functional studies and their clinical significance is uncertain. This variant is present in population databases (rs775958627, ExAC 0.002%). This sequence change replaces histidine with tyrosine at codon 900 of the MYO1E protein (p.His900Tyr). The histidine residue is moderately conserved and there is a moderate physicochemical difference between histidine and tyrosine.